The following is an entry in ClinVar:

ClinVar aggregate classification (germline): Uncertain significance (1 of 4 stars; one submission).

Conditions:
Pierpont syndrome (PRPTS). Identifiers: Orphanet 487825, MedGen C1865644, MONDO:0011213, OMIM 602342.

Submission:

Labcorp Genetics (formerly Invitae), Labcorp
Classification: Uncertain significance for Pierpont syndrome. Last evaluated: 2023-03-03. Review status: criteria provided, single submitter. Criteria: Invitae Variant Classification Sherloc (09022015). Collection method: clinical testing. Allele origin: germline.
Comment: In summary, the available evidence is currently insufficient to determine the role of this variant in disease. Therefore, it has been classified as a Variant of Uncertain Significance. Advanced modeling of protein sequence and biophysical properties (such as structural, functional, and spatial information, amino acid conservation, physicochemical variation, residue mobility, and thermodynamic stability) performed at Invitae indicates that this missense variant is expected to disrupt TBL1XR1 protein function. This variant has not been reported in the literature in individuals affected with TBL1XR1-related conditions. This variant is not present in population databases (gnomAD no frequency). This sequence change replaces serine, which is neutral and polar, with isoleucine, which is neutral and non-polar, at codon 224 of the TBL1XR1 protein (p.Ser224Ile).

NM_024665.7(TBL1XR1):c.671G>T (p.Ser224Ile)

Gene: TBL1XR1 (TBL1X/Y related 1; minus strand). Cytogenetic location: 3q26.32.
Variant type: single nucleotide variant.
Coding change: c.671G>T on transcript NM_024665.7 (MANE Select); coding-DNA position 671, G replaced by T.
Protein change: p.Ser224Ile; replaces serine 224 with isoleucine.
Molecular consequence: missense variant.
Genome position (GRCh38, 1-based): chr3:177,050,028, C>A on the plus strand (G>T on the coding strand, the complement: TBL1XR1 is on the minus strand). VCF-style: chr3-177050028-C-A. GRCh37 (hg19) VCF-style: chr3-176767816-C-A.
Other names: c.671G>T, p.Ser224Ile (NM_001321193.3, NM_001321194.3, NM_001374327.1 and 2 more transcripts); c.410G>T, p.Ser137Ile (NM_001321195.3, NM_001374330.1); short protein forms S137I, S224I.
Identifiers: ClinVar variation 2842574 (VCV002842574.3), dbSNP rs2473719993, ClinGen allele CA355552450.